The following is an entry in ClinVar:

ClinVar aggregate classification (germline): Pathogenic. Review status: criteria provided, multiple submitters, no conflicts (2 of 4 stars). 3 submissions from 3 submitters: Pathogenic (3). Last evaluated 2025-06-06.

Conditions:
Familial adenomatous polyposis 1 (FAP1). Also called: FAMILIAL ADENOMATOUS POLYPOSIS 1, ATTENUATED; POLYPOSIS, ADENOMATOUS INTESTINAL. Identifiers: MedGen C2713442, MONDO:0021056, OMIM 175100. Disease mechanism: loss of function.

Submissions (3):

Labcorp Genetics (formerly Invitae), Labcorp
Classification: Pathogenic for Familial adenomatous polyposis 1. Last evaluated: 2025-06-06. Review status: criteria provided, single submitter. Criteria: Invitae Variant Classification Sherloc (09022015). Collection method: clinical testing. Allele origin: germline.
Comment: This sequence change creates a premature translational stop signal (p.Trp593*) in the APC gene. It is expected to result in an absent or disrupted protein product. Loss-of-function variants in APC are known to be pathogenic (PMID: 17963004, 20685668). This variant is not present in population databases (gnomAD no frequency). This premature translational stop signal has been observed in individual(s) with familial adenomatous polyposis (PMID: 8990002). ClinVar contains an entry for this variant (Variation ID: 419994). Algorithms developed to predict the effect of sequence changes on RNA splicing suggest that this variant may disrupt the consensus splice site. For these reasons, this variant has been classified as Pathogenic.

Myriad Genetics, Inc.
Classification: Pathogenic for Familial adenomatous polyposis 1. Last evaluated: 2023-05-03. Review status: criteria provided, single submitter. Criteria: Myriad Autosomal Dominant, Autosomal Recessive and X-Linked Classification Criteria (2023). Collection method: clinical testing. Allele origin: unknown.
Comment: This variant is considered pathogenic. This variant creates a termination codon and is predicted to result in premature protein truncation.

GeneDx
Classification: Pathogenic. Last evaluated: 2017-10-04. Review status: criteria provided, single submitter. Criteria: GeneDx Variant Classification (06012015). Collection method: clinical testing. Allele origin: germline. Affected: yes.
Comment: This variant is denoted APC c.1778G>A at the cDNA level and p.Trp593Ter (W593X) at the protein level. The substitution creates a nonsense variant, which changes a Tryptophan to a premature stop codon (TGG>TAG), and is predicted to cause loss of normal protein function through either protein truncation or nonsense-mediated mRNA decay. This variant has been reported in individuals with Familial Adenomatous Polyposis (FAP) and is considered pathogenic (van der Luijt 1997, Hes 2008, Kerr 2013).

Literature cited by the submitters: PubMed 17963004 (cited by Labcorp Genetics (formerly Invitae), Labcorp); PubMed 20685668 (cited by Labcorp Genetics (formerly Invitae), Labcorp); PubMed 8990002 (cited by Labcorp Genetics (formerly Invitae), Labcorp).

NM_000038.6(APC):c.1778G>A (p.Trp593Ter)

Gene: APC (APC regulator of Wnt signaling pathway; plus strand). Cytogenetic location: 5q22.2.
Variant type: single nucleotide variant.
Coding change: c.1778G>A on transcript NM_000038.6 (MANE Select); coding-DNA position 1778, G replaced by A.
Protein change: p.Trp593Ter; replaces tryptophan 593 with a stop codon.
Molecular consequence: nonsense.
Genome position (GRCh38, 1-based): chr5:112,834,985, G>A. VCF-style: chr5-112834985-G-A. GRCh37 (hg19) VCF-style: chr5-112170682-G-A.
Other names: c.1778G>A, p.Trp593Ter (NM_001127510.3, NM_001354895.2); c.1724G>A, p.Trp575Ter (NM_001127511.3); c.1832G>A, p.Trp611Ter (NM_001354896.2); c.1808G>A, p.Trp603Ter (NM_001354897.2); c.1703G>A, p.Trp568Ter (NM_001354898.2); c.1694G>A, p.Trp565Ter (NM_001354899.2); c.1655G>A, p.Trp552Ter (NM_001354900.2); c.1601G>A, p.Trp534Ter (NM_001354901.2); and 5 more; short protein forms W575*, W593*, W611*, W310*, W433*, W552*, W603*, W467*.
Identifiers: ClinVar variation 419994 (VCV000419994.12), dbSNP rs1064794226, ClinGen allele CA16025203.